The following is an entry in ClinVar:

NM_001375524.1(TRRAP):c.9500G>A (p.Arg3167Gln)

Gene: TRRAP (transformation/transcription domain associated protein; plus strand). Cytogenetic location: 7q22.1.
Variant type: single nucleotide variant.
Coding change: c.9500G>A on transcript NM_001375524.1 (MANE Select); coding-DNA position 9500, G replaced by A.
Protein change: p.Arg3167Gln; replaces arginine 3167 with glutamine.
Molecular consequence: missense variant.
Genome position (GRCh38, 1-based): chr7:98,988,875, G>A. VCF-style: chr7-98988875-G-A. GRCh37 (hg19) VCF-style: chr7-98586498-G-A.
Other names: c.9512G>A, p.Arg3171Gln (NM_001244580.2); c.9425G>A, p.Arg3142Gln (NM_003496.4); c.9512G>A (NM_001244580.1); short protein forms R3142Q, R3167Q, R3171Q.
Identifiers: ClinVar variation 1679670 (VCV001679670.9), dbSNP rs1245057200, ClinGen allele CA368323105.

ClinVar aggregate classification (germline): Uncertain significance. Review status: criteria provided, multiple submitters, no conflicts (2 of 4 stars). 4 submissions from 4 submitters: Uncertain significance (4). Last evaluated 2025-02-18.

Conditions:
Inborn genetic diseases. Identifiers: MedGen C0950123, MeSH D030342.
Developmental delay with or without dysmorphic facies and autism. Identifiers: MedGen C5193106, MONDO:0032760, OMIM 618454.
Hearing loss, autosomal dominant 75. Also called: DEAFNESS, AUTOSOMAL DOMINANT 75. Identifiers: MedGen C5394059, MONDO:0032911, OMIM 618778.

Allele frequency attached by ClinVar (database versions not stated): gnomAD exomes below 0.00001; TOPMed below 0.00001.
gnomAD v4.1: 6 of 1,614,172 alleles (0.00037%); highest among the groups gnomAD compares: East Asian, 0.0022%; no homozygotes.

Submissions (4):

Ambry Genetics
Classification: Uncertain significance for Inborn genetic diseases. Last evaluated: 2025-02-18. Review status: criteria provided, single submitter. Criteria: Ambry Variant Classification Scheme 2023. Collection method: clinical testing. Allele origin: germline.

Labcorp Genetics (formerly Invitae), Labcorp
Classification: Uncertain significance. Last evaluated: 2024-01-03. Review status: criteria provided, single submitter. Criteria: Invitae Variant Classification Sherloc (09022015). Collection method: clinical testing. Allele origin: germline.
Comment: This sequence change replaces arginine, which is basic and polar, with glutamine, which is neutral and polar, at codon 3142 of the TRRAP protein (p.Arg3142Gln). This variant is present in population databases (no rsID available, gnomAD 0.007%). This variant has not been reported in the literature in individuals affected with TRRAP-related conditions. ClinVar contains an entry for this variant (Variation ID: 1679670). Advanced modeling of protein sequence and biophysical properties (such as structural, functional, and spatial information, amino acid conservation, physicochemical variation, residue mobility, and thermodynamic stability) performed at Invitae indicates that this missense variant is not expected to disrupt TRRAP protein function with a negative predictive value of 80%. In summary, the available evidence is currently insufficient to determine the role of this variant in disease. Therefore, it has been classified as a Variant of Uncertain Significance.

Fulgent Genetics
Classification: Uncertain significance for Developmental delay with or without dysmorphic facies and autism; Hearing loss, autosomal dominant 75. Last evaluated: 2022-01-13. Review status: criteria provided, single submitter. Criteria: ACMG Guidelines, 2015. Collection method: clinical testing. Allele origin: unknown.

New York Genome Center
Classification: Uncertain significance for Developmental delay with or without dysmorphic facies and autism. Last evaluated: 2021-05-24. Review status: criteria provided, single submitter. Criteria: NYGC Assertion Criteria 2020. Collection method: clinical testing. Allele origin: inherited. Observed: 1 heterozygote. Study: CSER-NYCKidSeq.